The following is an entry in ClinVar:

NM_006904.7(PRKDC):c.88G>T (p.Ala30Ser)

Genes: PRKDC (protein kinase, DNA-activated, catalytic subunit; minus strand), LOC129929030 (ATAC-STARR-seq lymphoblastoid silent region 19177; plus strand). Cytogenetic location: 8q11.21.
Variant type: single nucleotide variant.
Coding change: c.88G>T on transcript NM_006904.7 (MANE Select); coding-DNA position 88, G replaced by T.
Protein change: p.Ala30Ser; replaces alanine 30 with serine.
Molecular consequence: missense variant.
Genome position (GRCh38, 1-based): chr8:47,960,039, C>A on the plus strand (G>T on the coding strand, the complement: PRKDC is on the minus strand). VCF-style: chr8-47960039-C-A. GRCh37 (hg19) VCF-style: chr8-48872599-C-A.
Other names: c.88G>T, p.Ala30Ser (NM_001081640.2); short protein forms A30S.
Identifiers: ClinVar variation 2453377 (VCV002453377.2), dbSNP rs2090786834, ClinGen allele CA371142844.

ClinVar aggregate classification (germline): Uncertain significance (1 of 4 stars; one submission).

Allele frequency attached by ClinVar (database versions not stated): gnomAD exomes below 0.00001.
gnomAD v4.1: 1 of 1,534,034 alleles (0.000065%); highest among the groups gnomAD compares: Non-Finnish European, 0.000087%; no homozygotes.

Submission:

Ambry Genetics
Classification: Uncertain significance. Last evaluated: 2022-12-27. Review status: criteria provided, single submitter. Criteria: Ambry Variant Classification Scheme 2023. Collection method: clinical testing. Allele origin: germline.
Comment: The p.A30S variant (also known as c.88G>T), located in coding exon 1 of the PRKDC gene, results from a G to T substitution at nucleotide position 88. The alanine at codon 30 is replaced by serine, an amino acid with similar properties. This amino acid position is conserved. In addition, this alteration is predicted to be tolerated by in silico analysis. Since supporting evidence is limited at this time, the clinical significance of this alteration remains unclear.